The following is an entry in ClinVar:

NM_001042424.3(NSD2):c.2124C>T (p.Ser708=)

Gene: NSD2 (nuclear receptor binding SET domain protein 2; plus strand). Cytogenetic location: 4p16.3.
Variant type: single nucleotide variant.
Coding change: c.2124C>T on transcript NM_001042424.3 (MANE Select); coding-DNA position 2124, C replaced by T.
Protein change: p.Ser708=; no amino-acid change (serine 708 retained).
Molecular consequence: synonymous variant.
Genome position (GRCh38, 1-based): chr4:1,952,218, C>T. VCF-style: chr4-1952218-C-T. GRCh37 (hg19) VCF-style: chr4-1953945-C-T.
Other names: c.2124C>T, p.Ser708= (NM_133330.3, NM_133331.3, NM_133335.4).
Identifiers: ClinVar variation 1680189 (VCV001680189.8), dbSNP rs532704104, ClinGen allele CA2812363.
Genomic context (GRCh38, chr4:1,952,218, plus strand): 5'-AGCTTTCCACCTCGCCTGCCTTGGGCTTTCCCGGAGGCCAGAAGGGAGGTTCACCTGCAG[C>T]GAGTGTGCCTCAGGCAAGTTCCCACGGGCGGGCAGCTCTGCAGCCTGGCCGGCCACCTGC-3'
Protein context (NP_001035889.1, residues 698-718): SRRPEGRFTC[Ser708=]ECASGIHSCF

ClinVar aggregate classification (germline): Uncertain significance (1 of 4 stars; one submission).

Allele frequency attached by ClinVar (database versions not stated): ExAC 0.00002; gnomAD 0.00002 and 0.00003; gnomAD exomes 0.00002; 1000 Genomes Project 30x 0.00016; 1000 Genomes Project 0.00020.
gnomAD v4.1: 12 of 1,613,758 alleles (0.00074%); highest among the groups gnomAD compares: African/African-American, 0.0013%; no homozygotes.

Submission:

Labcorp Genetics (formerly Invitae), Labcorp
Classification: Uncertain significance. Last evaluated: 2023-08-25. Review status: criteria provided, single submitter. Criteria: Invitae Variant Classification Sherloc (09022015). Collection method: clinical testing. Allele origin: germline.
Comment: In summary, the available evidence is currently insufficient to determine the role of this variant in disease. Therefore, it has been classified as a Variant of Uncertain Significance. Algorithms developed to predict the effect of sequence changes on RNA splicing suggest that this variant may disrupt the consensus splice site. ClinVar contains an entry for this variant (Variation ID: 1680189). This variant has not been reported in the literature in individuals affected with WHSC1-related conditions. This variant is present in population databases (rs532704104, gnomAD 0.007%). This sequence change affects codon 708 of the WHSC1 mRNA. It is a 'silent' change, meaning that it does not change the encoded amino acid sequence of the WHSC1 protein.